The following is an entry in ClinVar:

NM_000245.2:c.-14-3312A>T

Gene: MET (MET proto-oncogene, receptor tyrosine kinase; plus strand). Cytogenetic location: 7q31.2.
Variant type: single nucleotide variant.
Identifiers: ClinVar variation 41607 (VCV000041607.2).

ClinVar aggregate classification (germline): Benign (0 of 4 stars; one submission).

Submission:

Biesecker Lab/Clinical Genomics Section, National Institutes of Health
Classification: Benign. Last evaluated: 2012-07-13. Review status: no assertion criteria provided. Collection method: research. Allele origin: germline. Affected: no. Observed: 19 variant alleles. Study: ClinSeq.
ClinVar note: Converted during submission from no known pathogenicity to Benign.